The following is an entry in ClinVar:

NM_024690.2(MUC16):c.39499G>A (p.Val13167Met)

Gene: MUC16 (mucin 16, cell surface associated; minus strand). Cytogenetic location: 19p13.2.
Variant type: single nucleotide variant.
Coding change: c.39499G>A on transcript NM_024690.2; coding-DNA position 39499, G replaced by A.
Protein change: p.Val13167Met; replaces valine 13167 with methionine.
Molecular consequence: missense variant.
Genome position (GRCh38, 1-based): chr19:8,896,073, C>T on the plus strand (G>A on the coding strand, the complement: MUC16 is on the minus strand). VCF-style: chr19-8896073-C-T. GRCh37 (hg19) VCF-style: chr19-9006749-C-T.
Other names: short protein forms V13167M.
Identifiers: ClinVar variation 3059396 (VCV003059396.2), dbSNP rs75444444, ClinGen allele CA9163987.

ClinVar aggregate classification (germline): Benign (0 of 4 stars; one submission).

Conditions:
MUC16-related disorder. Also called: MUC16-related condition.

Allele frequency attached by ClinVar (database versions not stated): gnomAD exomes 0.21036; ESP Exome Variant Server 0.21242; ExAC 0.19565; 1000 Genomes Project 30x 0.35150; 1000 Genomes Project 0.19828.

Submission:

PreventionGenetics, part of Exact Sciences
Classification: Benign for MUC16-related condition. Last evaluated: 2019-11-06. Review status: no assertion criteria provided. Collection method: clinical testing. Allele origin: germline.
Comment: This variant is classified as benign based on ACMG/AMP sequence variant interpretation guidelines (Richards et al. 2015 PMID: 25741868, with internal and published modifications).